The following is an entry in ClinVar:

ClinVar aggregate classification (germline): Uncertain significance. Review status: criteria provided, multiple submitters, no conflicts (2 of 4 stars). 3 submissions from 3 submitters: Uncertain significance (3). Last evaluated 2023-01-04.

Conditions:
Charcot-Marie-Tooth disease type 2. Also called: Charcot-Marie-Tooth type 2. Identifiers: Orphanet 64746, MedGen C0270914, MONDO:0018993.

Allele frequency attached by ClinVar (database versions not stated): gnomAD exomes below 0.00001.
gnomAD v4.1: 4 of 1,614,110 alleles (0.00025%); highest among the groups gnomAD compares: Non-Finnish European, 0.00034%; no homozygotes.

Submissions (3):

Ambry Genetics
Classification: Uncertain significance. Last evaluated: 2023-01-04. Review status: criteria provided, single submitter. Criteria: Ambry Variant Classification Scheme 2023. Collection method: clinical testing. Allele origin: germline.

Labcorp Genetics (formerly Invitae), Labcorp
Classification: Uncertain significance for Charcot-Marie-Tooth disease type 2. Last evaluated: 2020-10-01. Review status: criteria provided, single submitter. Criteria: Invitae Variant Classification Sherloc (09022015). Collection method: clinical testing. Allele origin: germline.
Comment: In summary, the available evidence is currently insufficient to determine the role of this variant in disease. Therefore, it has been classified as a Variant of Uncertain Significance. Algorithms developed to predict the effect of sequence changes on RNA splicing suggest that this variant may create or strengthen a splice site, but this prediction has not been confirmed by published transcriptional studies. Algorithms developed to predict the effect of missense changes on protein structure and function do not agree on the potential impact of this missense change (SIFT: "Deleterious"; PolyPhen-2: "Benign"; Align-GVGD: "Class C45"). This variant has not been reported in the literature in individuals with GARS-related disease. This variant is not present in population databases (ExAC no frequency). This sequence change replaces asparagine with serine at codon 403 of the GARS protein (p.Asn403Ser). The asparagine residue is highly conserved and there is a small physicochemical difference between asparagine and serine.

GeneDx
Classification: Uncertain significance. Last evaluated: 2019-05-30. Review status: criteria provided, single submitter. Criteria: GeneDx Variant Classification Process June 2021. Collection method: clinical testing. Allele origin: germline. Affected: yes.
Comment: Not observed at a significant frequency in large population cohorts (Lek et al., 2016); In silico analysis, which includes protein predictors and evolutionary conservation, supports a deleterious effect; Has not been previously published as pathogenic or benign to our knowledge

NM_002047.4(GARS1):c.1208A>G (p.Asn403Ser)

Gene: GARS1 (glycyl-tRNA synthetase 1; plus strand). Cytogenetic location: 7p14.3.
Variant type: single nucleotide variant.
Coding change: c.1208A>G on transcript NM_002047.4 (MANE Select); coding-DNA position 1208, A replaced by G.
Protein change: p.Asn403Ser; replaces asparagine 403 with serine.
Molecular consequence: missense variant.
Genome position (GRCh38, 1-based): chr7:30,617,127, A>G. VCF-style: chr7-30617127-A-G. GRCh37 (hg19) VCF-style: chr7-30656743-A-G.
Other names: c.1208A>G (LRG_243t1); c.1046A>G, p.Asn349Ser (NM_001316772.1); short protein forms N403S, N349S.
Identifiers: ClinVar variation 567201 (VCV000567201.14), dbSNP rs1000458033, ClinGen allele CA156053019.